The following is an entry in ClinVar:

ClinVar aggregate classification (germline): Uncertain significance (1 of 4 stars; one submission).

Submission:

Labcorp Genetics (formerly Invitae), Labcorp
Classification: Uncertain significance. Last evaluated: 2025-04-20. Review status: criteria provided, single submitter. Criteria: Invitae Variant Classification Sherloc (09022015). Collection method: clinical testing. Allele origin: germline.
Comment: This sequence change replaces proline, which is neutral and non-polar, with serine, which is neutral and polar, at codon 358 of the TUBB2A protein (p.Pro358Ser). This variant is not present in population databases (gnomAD no frequency). This variant has not been reported in the literature in individuals affected with TUBB2A-related conditions. Invitae Evidence Modeling of protein sequence and biophysical properties (such as structural, functional, and spatial information, amino acid conservation, physicochemical variation, residue mobility, and thermodynamic stability) indicates that this missense variant is not expected to disrupt TUBB2A protein function with a negative predictive value of 80%. In summary, the available evidence is currently insufficient to determine the role of this variant in disease. Therefore, it has been classified as a Variant of Uncertain Significance.

NM_001069.3(TUBB2A):c.1072C>T (p.Pro358Ser)

Gene: TUBB2A (tubulin beta 2A class IIa; minus strand). Cytogenetic location: 6p25.2.
Variant type: single nucleotide variant.
Coding change: c.1072C>T on transcript NM_001069.3 (MANE Select); coding-DNA position 1072, C replaced by T.
Protein change: p.Pro358Ser; replaces proline 358 with serine.
Molecular consequence: missense variant.
Genome position (GRCh38, 1-based): chr6:3,154,129, G>A on the plus strand (C>T on the coding strand, the complement: TUBB2A is on the minus strand). VCF-style: chr6-3154129-G-A. GRCh37 (hg19) VCF-style: chr6-3154363-G-A.
Other names: c.817C>T, p.Pro273Ser (NM_001310315.2); short protein forms P273S, P358S.
Identifiers: ClinVar variation 4750480 (VCV004750480.1).